The following is an entry in ClinVar:

NM_001845.6(COL4A1):c.1971_1990+24del

Gene: COL4A1 (collagen type IV alpha 1 chain; minus strand). Cytogenetic location: 13q34.
Variant type: Deletion.
Coding change: c.1971_1990+24del on transcript NM_001845.6 (MANE Select); coding-DNA position 1971 through 24 bases into the intron after coding-DNA position 1990, 44 bases deleted.
Molecular consequence: splice donor variant.
Genome position (GRCh38, 1-based): chr13:110,183,160-110,183,203, 44 bases deleted; deleting any 44 consecutive bases within chr13:110,183,160-110,183,205 gives the same sequence; the c. name uses the placement nearest the transcript's 3' end. GRCh37 (hg19): chr13:110,835,509-110,835,552.
Identifiers: ClinVar variation 1501837 (VCV001501837.6), dbSNP rs2139169706, ClinGen allele CA2573149452.

ClinVar aggregate classification (germline): Likely pathogenic (1 of 4 stars; one submission).

Submission:

Labcorp Genetics (formerly Invitae), Labcorp
Classification: Likely pathogenic. Last evaluated: 2021-02-17. Review status: criteria provided, single submitter. Criteria: Invitae Variant Classification Sherloc (09022015). Collection method: clinical testing. Allele origin: germline.
Comment: This variant results in the deletion of part of exon 27 (c.1971_1990+24del) of the COL4A1 gene. It is expected to disrupt RNA splicing. Variants that disrupt the donor or acceptor splice site typically lead to a loss of protein function (PMID: 16199547), and loss-of-function variants in COL4A1 are known to be pathogenic (PMID: 23225343). This variant is not present in population databases (ExAC no frequency). This variant has not been reported in the literature in individuals with COL4A1-related conditions. Algorithms developed to predict the effect of sequence changes on RNA splicing suggest that this variant may disrupt the consensus splice site, but this prediction has not been confirmed by published transcriptional studies. In summary, the currently available evidence indicates that the variant is pathogenic, but additional data are needed to prove that conclusively. Therefore, this variant has been classified as Likely Pathogenic.

Literature cited by the submitters: PubMed 16199547; PubMed 23225343.